The following is an entry in ClinVar:

ClinVar aggregate classification (germline): Pathogenic. Review status: criteria provided, multiple submitters, no conflicts (2 of 4 stars). 4 submissions from 4 submitters: Pathogenic (4). Last evaluated 2025-04-02.

Conditions:
Familial adenomatous polyposis 3. Also called: NTHL1-Related Adenomatous Polyposis and Colorectal Cancer; NTHL1-associated polyposis; NTHL1 Tumor Syndrome; NTHL1-related attenuated familial adenomatous polyposis. Identifiers: Orphanet 220460, Orphanet 454840, MedGen C4225157, MONDO:0014630, OMIM 616415.
Hereditary cancer-predisposing syndrome. Also called: Tumor predisposition; Neoplastic Syndromes, Hereditary; Hereditary Cancer Syndrome; Hereditary neoplastic syndrome. Identifiers: Orphanet 140162, MedGen C0027672, MeSH D009386, MONDO:0015356.

Submissions (4):

Labcorp Genetics (formerly Invitae), Labcorp
Classification: Pathogenic. Last evaluated: 2025-04-02. Review status: criteria provided, single submitter. Criteria: Invitae Variant Classification Sherloc (09022015). Collection method: clinical testing. Allele origin: germline.
Comment: This sequence change creates a premature translational stop signal (p.Ser234Argfs*38) in the NTHL1 gene. While this is not anticipated to result in nonsense mediated decay, it is expected to disrupt the last 79 amino acid(s) of the NTHL1 protein. This variant is present in population databases (no rsID available, gnomAD 0.006%). This premature translational stop signal has been observed in individual(s) with colorectal cancer (PMID: 33260537). This variant disrupts a region of the NTHL1 protein in which other variant(s) (p.Gln287*) have been determined to be pathogenic (PMID: 27329137, 28912133, 30753826; internal data). This suggests that this is a clinically significant region of the protein, and that variants that disrupt it are likely to be disease-causing. For these reasons, this variant has been classified as Pathogenic.

Ambry Genetics
Classification: Pathogenic for Hereditary cancer-predisposing syndrome. Last evaluated: 2024-07-24. Review status: criteria provided, single submitter. Criteria: Ambry Variant Classification Scheme 2023. Collection method: clinical testing. Allele origin: germline.
Comment: The c.699_700delGT pathogenic mutation, located in coding exon 4 of the NTHL1 gene, results from a deletion of two nucleotides at nucleotide positions 699 to 700, causing a translational frameshift with a predicted alternate stop codon (p.S234Rfs*38). This alteration occurs at the 3' terminus of NTHL1 gene, is not expected to trigger nonsense-mediated mRNA decay, and only impacts the last 25% of the protein. However, premature stop codons are typically deleterious in nature and a significant portion of the protein is affected and the impacted region is critical for protein function (Ambry internal data). Based on the supporting evidence, this variant is interpreted as a disease-causing mutation.

Myriad Genetics, Inc.
Classification: Pathogenic for Familial adenomatous polyposis 3. Last evaluated: 2024-04-24. Review status: criteria provided, single submitter. Criteria: Myriad Autosomal Dominant, Autosomal Recessive and X-Linked Classification Criteria (2023). Collection method: clinical testing. Allele origin: unknown.
Comment: This variant is considered pathogenic. This variant creates a frameshift predicted to result in premature protein truncation.

Department of Pathology and Laboratory Medicine, Sinai Health System
Classification: Pathogenic for Familial adenomatous polyposis 3. Last evaluated: 2021-08-10. Review status: criteria provided, single submitter. Criteria: ACMG Guidelines, 2015. Collection method: clinical testing. Allele origin: germline. Affected: no.

Literature cited by the submitters: PubMed 33260537 (cited by Labcorp Genetics (formerly Invitae), Labcorp); PubMed 27329137 (cited by Labcorp Genetics (formerly Invitae), Labcorp); PubMed 28912133 (cited by Labcorp Genetics (formerly Invitae), Labcorp); PubMed 30753826 (cited by Labcorp Genetics (formerly Invitae), Labcorp).

NM_002528.7(NTHL1):c.675_676del (p.Ser226fs)

Gene: NTHL1 (nth like DNA glycosylase 1; minus strand). Cytogenetic location: 16p13.3.
Variant type: Microsatellite.
Coding change: c.675_676del on transcript NM_002528.7 (MANE Select); coding-DNA positions 675 to 676, 2 bases deleted (GT; older notation c.675_676delGT).
Protein change: p.Ser226fs; shifts the reading frame from serine 226.
Molecular consequence: frameshift variant.
Genome position (GRCh38, 1-based): chr16:2,043,576-2,043,577, AC deleted on the plus strand (GT on the coding strand, the reverse complement: NTHL1 is on the minus strand); deleting any 2 consecutive bases within chr16:2,043,576-2,043,580 gives the same sequence; the c. name uses the placement nearest the transcript's 3' end. VCF-style (leftmost placement, unchanged base first): chr16-2043575-GAC-G. GRCh37 (hg19) VCF-style: chr16-2093576-GAC-G.
Other names: c.504_505del, p.Ser169fs (NM_001318193.2); c.345_346del, p.Ser116fs (NM_001318194.2); c.699_700delGT (NM_002528.5); short protein forms S169fs, S226fs, S116fs.
Identifiers: ClinVar variation 1484387 (VCV001484387.9), dbSNP rs1567369247, ClinGen allele CA620372461.